The following is an entry in ClinVar:

NM_032444.4(SLX4):c.2437G>A (p.Glu813Lys)

Gene: SLX4 (SLX4 structure-specific endonuclease subunit; minus strand). Cytogenetic location: 16p13.3.
Variant type: single nucleotide variant.
Coding change: c.2437G>A on transcript NM_032444.4 (MANE Select); coding-DNA position 2437, G replaced by A.
Protein change: p.Glu813Lys; replaces glutamic acid 813 with lysine.
Molecular consequence: missense variant.
Genome position (GRCh38, 1-based): chr16:3,591,201, C>T on the plus strand (G>A on the coding strand, the complement: SLX4 is on the minus strand). VCF-style: chr16-3591201-C-T. GRCh37 (hg19) VCF-style: chr16-3641202-C-T.
Other names: short protein forms E813K.
Identifiers: ClinVar variation 888493 (VCV000888493.15), dbSNP rs770020510, ClinGen allele CA7866150.

ClinVar aggregate classification (germline): Uncertain significance. Review status: criteria provided, multiple submitters, no conflicts (2 of 4 stars). 5 submissions from 5 submitters: Uncertain significance (5). Last evaluated 2025-01-23.

Conditions:
Fanconi anemia complementation group P. Also called: SLX4-Related Fanconi Anemia. Identifiers: Orphanet 84, MedGen C3469542, MONDO:0013499, OMIM 613951.
Fanconi anemia (FA). Also called: Fanconi's anemia. Identifiers: Orphanet 84, MedGen C0015625, MeSH D005199, MONDO:0019391.

Allele frequency attached by ClinVar (database versions not stated): gnomAD 0.00011; gnomAD exomes 0.00009 and 0.00012; ExAC 0.00007; TOPMed 0.00008.

Submissions (5):

Labcorp Genetics (formerly Invitae), Labcorp
Classification: Uncertain significance for Fanconi anemia. Last evaluated: 2025-01-23. Review status: criteria provided, single submitter. Criteria: Invitae Variant Classification Sherloc (09022015). Collection method: clinical testing. Allele origin: germline.
Comment: This sequence change replaces glutamic acid, which is acidic and polar, with lysine, which is basic and polar, at codon 813 of the SLX4 protein (p.Glu813Lys). This variant is present in population databases (rs770020510, gnomAD 0.02%). This missense change has been observed in individual(s) with congenital heart disease (PMID: 32368696). ClinVar contains an entry for this variant (Variation ID: 888493). An algorithm developed to predict the effect of missense changes on protein structure and function (PolyPhen-2) suggests that this variant is likely to be disruptive. In summary, the available evidence is currently insufficient to determine the role of this variant in disease. Therefore, it has been classified as a Variant of Uncertain Significance.

GeneDx
Classification: Uncertain significance. Last evaluated: 2024-12-17. Review status: criteria provided, single submitter. Criteria: GeneDx Variant Classification Process June 2021. Collection method: clinical testing. Allele origin: germline.
Comment: In silico analysis supports that this missense variant has a deleterious effect on protein structure/function; Identified as a de novo variant in an individual with congenital heart disease (PMID: 32368696, 31941532); This variant is associated with the following publications: (PMID: 32368696, 31941532)

Fulgent Genetics
Classification: Uncertain significance for Fanconi anemia complementation group P. Last evaluated: 2024-05-16. Review status: criteria provided, single submitter. Criteria: ACMG Guidelines, 2015. Collection method: clinical testing. Allele origin: germline.

Genetic Services Laboratory, University of Chicago
Classification: Uncertain significance. Last evaluated: 2018-02-19. Review status: criteria provided, single submitter. Criteria: ACMG Guidelines, 2015. Collection method: clinical testing. Allele origin: germline. Affected: no.

Illumina Laboratory Services, Illumina
Classification: Uncertain significance for Fanconi anemia complementation group P. Last evaluated: 2018-01-13. Review status: criteria provided, single submitter. Criteria: ICSL Variant Classification Criteria 13 December 2019. Collection method: clinical testing. Allele origin: germline.

Literature cited by the submitters: PubMed 32368696 (cited by Labcorp Genetics (formerly Invitae), Labcorp).